The following is an entry in ClinVar:

ClinVar aggregate classification (germline): Conflicting classifications of pathogenicity. Review status: criteria provided, conflicting classifications (1 of 4 stars). 4 submissions from 4 submitters: Uncertain significance (3); Benign (1). Last evaluated 2026-02-02.

Conditions:
WRN-related disorder. Also called: WRN-related condition.
Werner syndrome (WRN). Identifiers: Orphanet 902, MedGen C0043119, MONDO:0010196, OMIM 277700.

Allele frequency attached by ClinVar (database versions not stated): ESP Exome Variant Server 0.00069; 1000 Genomes Project 30x 0.00078; TOPMed 0.00118; gnomAD exomes 0.00010 and 0.00024; ExAC 0.00034; 1000 Genomes Project 0.00100; gnomAD 0.00108.
gnomAD v4.1: 296 of 1,393,238 alleles (0.021%); highest among the groups gnomAD compares: African/African-American, 0.35%; no homozygotes.

Submissions (4):

Dasa
Classification: Uncertain significance for Werner syndrome. Last evaluated: 2026-02-02. Review status: criteria provided, single submitter. Criteria: DASA Assertion Criteria. Collection method: clinical testing. Allele origin: germline.
Comment: NM_000553.6(WRN):c.1350+3A>G is a splice-region variant. This classification is supported by population frequency inconsistent with a disease-causing role. Computational prediction algorithms are consistent with a deleterious effect. The currently available literature and clinical evidence are not sufficient to establish a definitive association between this variant and the reported condition. Therefore, this variant is classified as a variant of uncertain significance.

Labcorp Genetics (formerly Invitae), Labcorp
Classification: Benign for Werner syndrome. Last evaluated: 2026-01-28. Review status: criteria provided, single submitter. Criteria: Invitae Variant Classification Sherloc (09022015). Collection method: clinical testing. Allele origin: germline.

GeneDx
Classification: Uncertain significance. Last evaluated: 2025-02-26. Review status: criteria provided, single submitter. Criteria: GeneDx Variant Classification Process June 2021. Collection method: clinical testing. Allele origin: germline. Affected: yes.
Comment: Has not been previously published as pathogenic or benign to our knowledge; In silico analysis is inconclusive as to whether the variant alters gene splicing. In the absence of RNA/functional studies, the actual effect of this sequence change is unknown.

PreventionGenetics, part of Exact Sciences
Classification: Uncertain significance for WRN-related condition. Last evaluated: 2023-06-06. Review status: criteria provided, single submitter. Criteria: ACMG Guidelines, 2015. Collection method: clinical testing. Allele origin: germline.
Comment: The WRN c.1350+3A>G variant is predicted to interfere with splicing. To our knowledge, this variant has not been reported in the literature. This variant is reported in 0.36% of alleles in individuals of African descent in gnomAD and is interpreted as benign by a single submitter in ClinVar. This variant falls within a highly paralogous region. Allele frequency data should be interpreted with caution. Although we suspect that this variant may be benign, at this time, the clinical significance of this variant is uncertain due to the absence of conclusive functional and genetic evidence.

NM_000553.6(WRN):c.1350+3A>G

Gene: WRN (WRN RecQ like helicase; plus strand). Cytogenetic location: 8p12.
Variant type: single nucleotide variant.
Coding change: c.1350+3A>G on transcript NM_000553.6 (MANE Select); 3 bases into the intron after coding-DNA position 1350, A replaced by G.
Molecular consequence: intron variant.
Genome position (GRCh38, 1-based): chr8:31,083,782, A>G. VCF-style: chr8-31083782-A-G. GRCh37 (hg19) VCF-style: chr8-30941298-A-G.
Identifiers: ClinVar variation 412691 (VCV000412691.14), dbSNP rs182813211, ClinGen allele CA4704315.